The following is an entry in ClinVar:

NM_001368894.2(PAX6):c.634G>T (p.Asp212Tyr)

Gene: PAX6 (paired box 6; minus strand). Cytogenetic location: 11p13.
Variant type: single nucleotide variant.
Coding change: c.634G>T on transcript NM_001368894.2 (MANE Select); coding-DNA position 634, G replaced by T.
Protein change: p.Asp212Tyr; replaces aspartic acid 212 with tyrosine.
Molecular consequence: missense variant. On other transcripts: 5 prime UTR variant (1), non-coding transcript variant (2).
Genome position (GRCh38, 1-based): chr11:31,794,720, C>A on the plus strand (G>T on the coding strand, the complement: PAX6 is on the minus strand). VCF-style: chr11-31794720-C-A. GRCh37 (hg19) VCF-style: chr11-31816268-C-A.
Other names: c.184G>T, p.Asp62Tyr (NM_001310160.2, NM_001310161.3, NM_001368908.2 and 11 more transcripts); c.592G>T, p.Asp198Tyr (NM_001368887.2, NM_001368888.2, NM_001368889.2 and 10 more transcripts); c.634G>T, p.Asp212Tyr (NM_001368892.2, NM_001368893.2, NM_001368912.2 and 6 more transcripts); c.835G>T, p.Asp279Tyr (NM_001368910.2); c.637G>T, p.Asp213Tyr (NM_001368911.2); c.709G>T, p.Asp237Tyr (NM_001368918.2, NM_001368919.2); c.667G>T, p.Asp223Tyr (NM_001368920.2); c.433G>T, p.Asp145Tyr (NM_001368921.2, NM_001368922.2, NM_001368923.2 and 4 more transcripts); and 2 more; short protein forms D131Y, D145Y, D198Y, D212Y, D213Y, D223Y, D237Y, D279Y.
Identifiers: ClinVar variation 4086589 (VCV004086589.1).
Genomic context (GRCh38, chr11:31,794,720, plus strand): 5'-TAAAGGATGTTCTATTTCTTTGCAGCTTCCGCTTCAGCTGAAGTCGCATTTGAGCCTCAT[C>A]TGAATCTTCTCCGTTGGAACTGATGGAGTTGGTATTCTCTCCCCCTCCTTCCTGTTGCTG-3'
Protein context (NP_001355823.1, residues 202-222): NSISSNGEDS[Asp212Tyr]EAQMRLQLKR

ClinVar aggregate classification (germline): Uncertain significance (1 of 4 stars; one submission).

Submission:

GeneDx
Classification: Uncertain significance. Last evaluated: 2025-03-17. Review status: criteria provided, single submitter. Criteria: GeneDx Variant Classification Process June 2021. Collection method: clinical testing. Allele origin: germline. Affected: yes.
Comment: Not observed at significant frequency in large population cohorts (gnomAD); In silico analysis supports that this missense variant has a deleterious effect on protein structure/function; Has not been previously published as pathogenic or benign to our knowledge